The following is an entry in ClinVar:

ClinVar aggregate classification (germline): Uncertain significance (1 of 4 stars; one submission).

gnomAD v4.1: 38 of 1,608,672 alleles (0.0024%); highest among the groups gnomAD compares: Non-Finnish European, 0.0031%; no homozygotes.

Submission:

Labcorp Genetics (formerly Invitae), Labcorp
Classification: Uncertain significance. Last evaluated: 2024-09-29. Review status: criteria provided, single submitter. Criteria: Invitae Variant Classification Sherloc (09022015). Collection method: clinical testing. Allele origin: germline.
Comment: This sequence change affects codon 289 of the COMP mRNA. It is a 'silent' change, meaning that it does not change the encoded amino acid sequence of the COMP protein. This variant also falls at the last nucleotide of exon 8, which is part of the consensus splice site for this exon. This variant is present in population databases (no rsID available, gnomAD 0.004%). This variant has not been reported in the literature in individuals affected with COMP-related conditions. Variants that disrupt the consensus splice site are a relatively common cause of aberrant splicing (PMID: 17576681, 9536098). Algorithms developed to predict the effect of sequence changes on RNA splicing suggest that this variant may disrupt the consensus splice site. In summary, the available evidence is currently insufficient to determine the role of this variant in disease. Therefore, it has been classified as a Variant of Uncertain Significance.

Literature cited by the submitters: PubMed 17576681; PubMed 9536098.

NM_000095.3(COMP):c.867G>A (p.Lys289=)

Gene: COMP (cartilage oligomeric matrix protein; minus strand). Cytogenetic location: 19p13.11.
Variant type: single nucleotide variant.
Coding change: c.867G>A on transcript NM_000095.3 (MANE Select); coding-DNA position 867, G replaced by A.
Protein change: p.Lys289=; no amino-acid change (lysine 289 retained).
Molecular consequence: synonymous variant.
Genome position (GRCh38, 1-based): chr19:18,788,410, C>T on the plus strand (G>A on the coding strand, the complement: COMP is on the minus strand). VCF-style: chr19-18788410-C-T. GRCh37 (hg19) VCF-style: chr19-18899219-C-T.
Identifiers: ClinVar variation 3615254 (VCV003615254.2).